The following is an entry in ClinVar:

NM_000051.4(ATM):c.6452+76_6452+109dup

Genes: ATM (ATM serine/threonine kinase; plus strand), C11orf65 (chromosome 11 open reading frame 65; minus strand). Cytogenetic location: 11q22.3.
Variant type: Duplication.
Coding change: c.6452+76_6452+109dup on transcript NM_000051.4 (MANE Select); bases 76 to 109 of the intron after coding-DNA position 6452, 34 bases duplicated.
Molecular consequence: intron variant.
Genome position (GRCh38, 1-based): chr11:108,320,134-108,320,167, 34 bases duplicated; duplicating any 34 consecutive bases within chr11:108,320,133-108,320,167 gives the same sequence; the c. name uses the placement nearest the transcript's 3' end. GRCh37 (hg19): chr11:108,190,861-108,190,894.
Other names: c.641-11095_641-11062dup (NM_001330368.2); c.*39-11095_*39-11062dup (NM_001351110.2); c.6452+76_6452+109dup (NM_001351834.2).
Identifiers: ClinVar variation 4533209 (VCV004533209.1).

ClinVar aggregate classification (germline): Likely benign (1 of 4 stars; one submission).

Conditions:
Hereditary cancer-predisposing syndrome. Also called: Neoplastic Syndromes, Hereditary; Tumor predisposition; Hereditary neoplastic syndrome; Hereditary Cancer Syndrome. Identifiers: Orphanet 140162, MedGen C0027672, MeSH D009386, MONDO:0015356.

Submission:

Molecular Diagnostics Laboratory, Catalan Institute of Oncology
Classification: Likely benign for Hereditary cancer-predisposing syndrome. Last evaluated: 2025-10-27. Review status: criteria provided, single submitter. Criteria: ClinGen ACMG Specifications ATM V1.1.0. Collection method: clinical testing. Allele origin: germline. Inheritance: Autosomal dominant inheritance.
Comment: c.6452+76_6452+109dup, located in intron 44 of the ATM gene, is an intronic duplication not close to a canonical splice site. The SpliceAI algorithm predicts no significant impact on splicing (delta score = 0.01) (BP4 and BP7). This variant is found in 7/56120 alleles, with a filter allele frequency of 0.12%, within the Admixed American population in the gnomAD v4.1.0 database (BS1). To our knowledge, no functional studies have been reported for this variant. The variant has not been reported in ClinVar or in LOVD databases. Based on currently available information, c.6452+76_6452+109dup should be considered a likely benign variant according to ClinGen Hereditary Breast, Ovarian and Pancreatic Cancer Expert Panel Specifications to the ACMG/AMP Variant Interpretation Guidelines for ATM v1.1.